The following is an entry in ClinVar:

ClinVar aggregate classification (germline): Pathogenic (1 of 4 stars; one submission).

Conditions:
Duchenne muscular dystrophy (DMD). Also called: Duchenne Muscular Dystrophy (DMD); MUSCULAR DYSTROPHY, PSEUDOHYPERTROPHIC PROGRESSIVE, DUCHENNE TYPE. Identifiers: Orphanet 98896, MedGen C0013264, MONDO:0010679, OMIM 310200.

Submission:

Labcorp Genetics (formerly Invitae), Labcorp
Classification: Pathogenic for Duchenne muscular dystrophy. Last evaluated: 2022-10-01. Review status: criteria provided, single submitter. Criteria: Invitae Variant Classification Sherloc (09022015). Collection method: clinical testing. Allele origin: germline.
Comment: This variant is a gross deletion of the genomic region encompassing exon(s) 3-7 of the DMD gene. This deletion is out-of-frame, and is expected to create a premature termination codon and result in an absent or disrupted protein product. Loss-of-function variants in DMD are known to be pathogenic (PMID: 16770791, 25007885). A similar copy number variant has been observed in individuals with Becker muscular dystrophy, Duchenne muscular dystrophy and intermediate phenotypes (PMID: 1496988, 2063877, 7825572, 8353493, 15723292, 16030524, 16566881, 18752307, 22090376, 22510846, 24099565). Algorithms developed to predict the effect of variants on protein structure and function are not available or were not evaluated for this variant. Experimental studies of muscle biopsies from patients carrying this variant have detected reduced expression of dystrophin of a slightly lower molecular weight than wild-type protein (PMID: 1496988, 2063877, 7825572, 8317478, 8353493). It has been proposed that this expression arises from minor splice-isoforms of DMD that do not include exons 3-7 (PMID: 2261642, 8317478) or from use of an alternative initiator codon in exon 8 (PMID: 1496988, 7825572, 8353493). For these reasons, this variant has been classified as Pathogenic.

Literature cited by the submitters: PubMed 16770791; PubMed 25007885; PubMed 1496988; PubMed 2063877; PubMed 7825572; PubMed 8353493; PubMed 15723292; PubMed 16030524; PubMed 16566881; PubMed 18752307; PubMed 22090376; PubMed 22510846; PubMed 24099565; PubMed 8317478; PubMed 2261642.

NC_000023.11:g.(?_32809473)_(32849840_?)del

Gene: DMD (dystrophin; minus strand). Cytogenetic location: Xp21.1.
Variant type: Deletion.
Identifiers: ClinVar variation 526150 (VCV000526150.6).